The following is an entry in ClinVar:

NM_015156.4(RCOR1):c.1216C>T (p.Gln406Ter)

Genes: RCOR1 (REST corepressor 1; plus strand), LOC126862064 (MED14-independent group 3 enhancer GRCh37_chr14:103188411-103189610; plus strand). Cytogenetic location: 14q32.32.
Variant type: single nucleotide variant.
Coding change: c.1216C>T on transcript NM_015156.4 (MANE Select); coding-DNA position 1216, C replaced by T.
Protein change: p.Gln406Ter; replaces glutamine 406 with a stop codon.
Molecular consequence: nonsense.
Genome position (GRCh38, 1-based): chr14:102,722,213, C>T. VCF-style: chr14-102722213-C-T. GRCh37 (hg19) VCF-style: chr14-103188550-C-T.
Other names: short protein forms Q406*.
Identifiers: ClinVar variation 4721904 (VCV004721904.1).
Genomic context (GRCh38, chr14:102,722,213, plus strand): 5'-TTGTATTTTAAAAAATGCTTTCTTACATCCTTAGCCATCAGGAAATATGGCCGAGATTTT[C>T]AGGCAATCTCAGACGTGATTGGGAACAAATCAGTGGTACAAGTGAAAAACTTTTTTGTAA-3'

ClinVar aggregate classification (germline): Uncertain significance (1 of 4 stars; one submission).

Submission:

Labcorp Genetics (formerly Invitae), Labcorp
Classification: Uncertain significance. Last evaluated: 2025-06-23. Review status: criteria provided, single submitter. Criteria: Invitae Variant Classification Sherloc (09022015). Collection method: clinical testing. Allele origin: germline.
Comment: This sequence change creates a premature translational stop signal (p.Gln406*) in the RCOR1 gene. It is expected to result in an absent or disrupted protein product. However, the current clinical and genetic evidence is not sufficient to establish whether loss-of-function variants in RCOR1 cause disease. This variant is not present in population databases (gnomAD no frequency). This variant has not been reported in the literature in individuals affected with RCOR1-related conditions. In summary, the available evidence is currently insufficient to determine the role of this variant in disease. Therefore, it has been classified as a Variant of Uncertain Significance.